The following is an entry in ClinVar:

ClinVar aggregate classification (germline): Uncertain significance. Review status: criteria provided, multiple submitters, no conflicts (2 of 4 stars). 2 submissions from 2 submitters: Uncertain significance (2). Last evaluated 2024-09-25.

Allele frequency attached by ClinVar (database versions not stated): gnomAD exomes below 0.00001; gnomAD 0.00001; TOPMed 0.00001.
gnomAD v4.1: 7 of 1,614,024 alleles (0.00043%); highest among the groups gnomAD compares: Non-Finnish European, 0.00059%; no homozygotes.

Submissions (2):

GeneDx
Classification: Uncertain significance. Last evaluated: 2024-09-25. Review status: criteria provided, single submitter. Criteria: GeneDx Variant Classification Process June 2021. Collection method: clinical testing. Allele origin: germline. Affected: yes.
Comment: In silico analysis supports that this missense variant has a deleterious effect on protein structure/function; Has not been previously published as pathogenic or benign to our knowledge

Labcorp Genetics (formerly Invitae), Labcorp
Classification: Uncertain significance. Last evaluated: 2022-05-18. Review status: criteria provided, single submitter. Criteria: Invitae Variant Classification Sherloc (09022015). Collection method: clinical testing. Allele origin: germline.
Comment: This sequence change replaces isoleucine, which is neutral and non-polar, with phenylalanine, which is neutral and non-polar, at codon 470 of the CAPN5 protein (p.Ile470Phe). This variant is present in population databases (no rsID available, gnomAD 0.0009%). This variant has not been reported in the literature in individuals affected with CAPN5-related conditions. Algorithms developed to predict the effect of missense changes on protein structure and function are either unavailable or do not agree on the potential impact of this missense change (SIFT: "Deleterious"; PolyPhen-2: "Probably Damaging"; Align-GVGD: "Class C0"). In summary, the available evidence is currently insufficient to determine the role of this variant in disease. Therefore, it has been classified as a Variant of Uncertain Significance.

NM_004055.5(CAPN5):c.1408A>T (p.Ile470Phe)

Gene: CAPN5 (calpain 5; plus strand). Cytogenetic location: 11q13.5.
Variant type: single nucleotide variant.
Coding change: c.1408A>T on transcript NM_004055.5 (MANE Select); coding-DNA position 1408, A replaced by T.
Protein change: p.Ile470Phe; replaces isoleucine 470 with phenylalanine.
Molecular consequence: missense variant.
Genome position (GRCh38, 1-based): chr11:77,120,830, A>T. VCF-style: chr11-77120830-A-T. GRCh37 (hg19) VCF-style: chr11-76831876-A-T.
Other names: c.1408A>T (NM_004055.4); short protein forms I470F.
Identifiers: ClinVar variation 2106907 (VCV002106907.5), dbSNP rs1196025210, ClinGen allele CA381943241.
Genomic context (GRCh38, chr11:77,120,830, plus strand): 5'-ATCTACATCAACTCACGCAGCGTCTTCCTGCGCACCGACCAGCCCGAGGGCCGCTATGTC[A>T]TCATCCCCACAACCTTCGAGCCAGGCCACACTGGCGAGTTCCTGCTCCGAGTCTTCACTG-3'
Protein context (NP_004046.2, residues 460-480): RTDQPEGRYV[Ile470Phe]IPTTFEPGHT